The following is an entry in ClinVar:

NM_019066.5(MAGEL2):c.3634T>G (p.Trp1212Gly)

Gene: MAGEL2 (MAGE family member L2; minus strand). Cytogenetic location: 15q11.2.
Variant type: single nucleotide variant.
Coding change: c.3634T>G on transcript NM_019066.5 (MANE Select); coding-DNA position 3634, T replaced by G.
Protein change: p.Trp1212Gly; replaces tryptophan 1212 with glycine.
Molecular consequence: missense variant.
Genome position (GRCh38, 1-based): chr15:23,644,109, A>C on the plus strand (T>G on the coding strand, the complement: MAGEL2 is on the minus strand). VCF-style: chr15-23644109-A-C. GRCh37 (hg19) VCF-style: chr15-23889256-A-C.
Other names: short protein forms W1212G.
Identifiers: ClinVar variation 2636200 (VCV002636200.1), dbSNP rs2503973622, ClinGen allele CA391321506.
Genomic context (GRCh38, chr15:23,644,109, plus strand): 5'-CATCCTCATCTGTGTCTTCCCACTCACACTCTGCGAGCGCTTCAAGGTAATGGAATGGCC[A>C]GCTCTGTGGATCTTTCTTATGGAGCTTGGCCAAAAACCTCAGGACAAGCATCTTGCTGGT-3'
Protein context (NP_061939.3, residues 1202-1222): AKLHKKDPQS[Trp1212Gly]PFHYLEALAE

ClinVar aggregate classification (germline): Uncertain significance (1 of 4 stars; one submission).

Conditions:
MAGEL2-related disorder. Also called: MAGEL2-related condition.

Submission:

PreventionGenetics, part of Exact Sciences
Classification: Uncertain significance for MAGEL2-related condition. Last evaluated: 2022-08-22. Review status: criteria provided, single submitter. Criteria: ACMG Guidelines, 2015. Collection method: clinical testing. Allele origin: germline.
Comment: The MAGEL2 c.3634T>G variant is predicted to result in the amino acid substitution p.Trp1212Gly. To our knowledge, this variant has not been reported in the literature or in a large population database, indicating this variant is rare. At this time, the clinical significance of this variant is uncertain due to the absence of conclusive functional and genetic evidence.